The following is an entry in ClinVar:

NM_001378964.1(CDON):c.1296G>A (p.Pro432=)

Gene: CDON (cell adhesion associated, oncogene regulated; minus strand). Cytogenetic location: 11q24.2.
Variant type: single nucleotide variant.
Coding change: c.1296G>A on transcript NM_001378964.1 (MANE Select); coding-DNA position 1296, G replaced by A.
Protein change: p.Pro432=; no amino-acid change (proline 432 retained).
Molecular consequence: synonymous variant.
Genome position (GRCh38, 1-based): chr11:126,010,597, C>T on the plus strand (G>A on the coding strand, the complement: CDON is on the minus strand). VCF-style: chr11-126010597-C-T. GRCh37 (hg19) VCF-style: chr11-125880492-C-T.
Other names: c.1296G>A, p.Pro432= (NM_001243597.3, NM_016952.6).
Identifiers: ClinVar variation 260782 (VCV000260782.19), dbSNP rs11220313, ClinGen allele CA6352064.

ClinVar aggregate classification (germline): Benign. Review status: criteria provided, multiple submitters, no conflicts (2 of 4 stars). 6 submissions from 6 submitters: Benign (6). Last evaluated 2026-01-26.

Conditions:
Holoprosencephaly 11 (HPE11). Identifiers: Orphanet 2162, MedGen C3280215, MONDO:0013642, OMIM 614226.

Allele frequency attached by ClinVar (database versions not stated): gnomAD exomes 0.00154 and 0.00404; ExAC 0.00509; gnomAD 0.01591 and 0.01713; 1000 Genomes Project 0.01637; ESP Exome Variant Server 0.01723; 1000 Genomes Project 30x 0.01749; TOPMed 0.01830.
gnomAD v4.1: 4,732 of 1,614,080 alleles (0.29%); highest among the groups gnomAD compares: African/African-American, 5.5%; 120 homozygotes.

Submissions (6):

Labcorp Genetics (formerly Invitae), Labcorp
Classification: Benign for Holoprosencephaly 11. Last evaluated: 2026-01-26. Review status: criteria provided, single submitter. Criteria: Invitae Variant Classification Sherloc (09022015). Collection method: clinical testing. Allele origin: germline.

ARUP Laboratories, Molecular Genetics and Genomics, ARUP Laboratories
Classification: Benign for Holoprosencephaly 11. Last evaluated: 2023-11-06. Review status: criteria provided, single submitter. Criteria: ARUP Molecular Germline Variant Investigation Process 2024. Collection method: clinical testing. Allele origin: germline.

GeneDx
Classification: Benign. Last evaluated: 2019-10-30. Review status: criteria provided, single submitter. Criteria: GeneDx Variant Classification Process June 2021. Collection method: clinical testing. Allele origin: germline. Affected: yes.

Illumina Laboratory Services, Illumina
Classification: Benign for Holoprosencephaly 11. Last evaluated: 2018-01-12. Review status: criteria provided, single submitter. Criteria: ICSL Variant Classification Criteria 13 December 2019. Collection method: clinical testing. Allele origin: germline.
Comment: This variant was observed in the ICSL laboratory as part of a predisposition screen in an ostensibly healthy population. It had not been previously curated by ICSL or reported in the Human Gene Mutation Database (HGMD: prior to June 1st, 2018), and was therefore a candidate for classification through an automated scoring system. Utilizing variant allele frequency, disease prevalence and penetrance estimates, and inheritance mode, an automated score was calculated to assess if this variant is too frequent to cause the disease. Based on the score and internal cut-off values, a variant classified as benign is not then subjected to further curation. The score for this variant resulted in a classification of benign for this disease.

Breakthrough Genomics
Classification: Benign. Review status: criteria provided, single submitter. Criteria: ACMG Guidelines, 2015. Collection method: not provided. Allele origin: germline. Inheritance: Autosomal dominant inheritance. Affected: yes.

PreventionGenetics, part of Exact Sciences
Classification: Benign. Review status: criteria provided, single submitter. Criteria: ACMG Guidelines, 2015. Collection method: clinical testing. Allele origin: germline.